The following is an entry in ClinVar:

NC_000011.9:g.(108129803_108137897)_(108239827_?)del

Gene: ATM (ATM serine/threonine kinase; plus strand). Cytogenetic location: 11q22.3.
Variant type: Deletion.
Identifiers: ClinVar variation 1722412 (VCV001722412.1).

ClinVar aggregate classification (germline): Likely pathogenic (1 of 4 stars; one submission).

Conditions:
Ataxia-telangiectasia syndrome (AT). Also called: Ataxia-telangiectasia, complementation group D; Ataxia telangiectasia (A-T); ATAXIA-TELANGIECTASIA, COMPLEMENTATION GROUP A; LOUIS-BAR SYNDROME; Cerebello-oculocutaneous telangiectasia; Immunodeficiency with ataxia telangiectasia. Identifiers: Orphanet 100, MedGen C0004135, MONDO:0008840, OMIM 208900.

Submission:

Women's Health and Genetics/Laboratory Corporation of America, LabCorp
Classification: Likely pathogenic for Ataxia-telangiectasia syndrome. Last evaluated: 2022-09-30. Review status: criteria provided, single submitter. Criteria: LabCorp Variant Classification Summary - May 2015. Collection method: clinical testing. Allele origin: germline.
Comment: Variant summary: The variant identified by MLPA or other technology involves the deletion of exons 17-63 in the ATM gene. A presumed nomenclature of c.(2466+1_2467-1)_(*3592_?)del has been designated for the purposes of this classification. Although exact breakpoints of this copy number variant are not known, it is expected to result in a large deletion in the ATM gene, a known mechanism of disease. The variant was absent in 21294 control chromosomes (gnomAD, Structural Variants dataset). Deletion of exons 17-63 has been reported in the literature in an individual affected with Gastroesophageal junction (GEJ) adenocarcinoma, with family history (1st or 2nd degree relative) of ATM-associated cancer of breast, pancreato-biliary, and prostate (El Jabbour_2022). A ClinVar submitter (evaluation after 2014) cites the variant as pathogenic. Based on the evidence outlined above, the variant was classified as likely pathogenic.

Literature cited by the submitters: PubMed 35078243.